The following is an entry in ClinVar:

NM_015338.6(ASXL1):c.343G>A (p.Glu115Lys)

Gene: ASXL1 (ASXL transcriptional regulator 1; plus strand). Cytogenetic location: 20q11.21.
Variant type: single nucleotide variant.
Coding change: c.343G>A on transcript NM_015338.6 (MANE Select); coding-DNA position 343, G replaced by A.
Protein change: p.Glu115Lys; replaces glutamic acid 115 with lysine.
Molecular consequence: missense variant.
Genome position (GRCh38, 1-based): chr20:32,428,218, G>A. VCF-style: chr20-32428218-G-A. GRCh37 (hg19) VCF-style: chr20-31016021-G-A.
Other names: c.313G>A, p.Glu105Lys (NM_001363734.1); short protein forms E115K, E105K.
Identifiers: ClinVar variation 3956380 (VCV003956380.1).

ClinVar aggregate classification (germline): Uncertain significance (1 of 4 stars; one submission).

Conditions:
Inborn genetic diseases. Identifiers: MedGen C0950123, MeSH D030342.

gnomAD v4.1: 1 of 1,614,216 alleles (0.000062%); highest among the groups gnomAD compares: Non-Finnish European, 0.000085%; no homozygotes.

Submission:

Ambry Genetics
Classification: Uncertain significance for Inborn genetic diseases. Last evaluated: 2025-04-20. Review status: criteria provided, single submitter. Criteria: Ambry Variant Classification Scheme 2023. Collection method: clinical testing. Allele origin: germline.
Comment: The p.E115K variant (also known as c.343G>A), located in coding exon 5 of the ASXL1 gene, results from a G to A substitution at nucleotide position 343. The glutamic acid at codon 115 is replaced by lysine, an amino acid with similar properties. This amino acid position is conserved. In addition, this alteration is predicted to be tolerated by in silico analysis. Based on the available evidence, the clinical significance of this variant remains unclear.